The following is an entry in ClinVar:

NM_000553.6(WRN):c.1204C>A (p.Leu402Ile)

Gene: WRN (WRN RecQ like helicase; plus strand). Cytogenetic location: 8p12.
Variant type: single nucleotide variant.
Coding change: c.1204C>A on transcript NM_000553.6 (MANE Select); coding-DNA position 1204, C replaced by A.
Protein change: p.Leu402Ile; replaces leucine 402 with isoleucine.
Molecular consequence: missense variant.
Genome position (GRCh38, 1-based): chr8:31,081,231, C>A. VCF-style: chr8-31081231-C-A. GRCh37 (hg19) VCF-style: chr8-30938747-C-A.
Other names: short protein forms L402I.
Identifiers: ClinVar variation 3637302 (VCV003637302.2).

ClinVar aggregate classification (germline): Uncertain significance (1 of 4 stars; one submission).

Conditions:
Werner syndrome (WRN). Identifiers: Orphanet 902, MedGen C0043119, MONDO:0010196, OMIM 277700.

Submission:

Labcorp Genetics (formerly Invitae), Labcorp
Classification: Uncertain significance for Werner syndrome. Last evaluated: 2024-01-28. Review status: criteria provided, single submitter. Criteria: Invitae Variant Classification Sherloc (09022015). Collection method: clinical testing. Allele origin: germline.
Comment: This sequence change replaces leucine, which is neutral and non-polar, with isoleucine, which is neutral and non-polar, at codon 402 of the WRN protein (p.Leu402Ile). This variant is not present in population databases (gnomAD no frequency). This variant has not been reported in the literature in individuals affected with WRN-related conditions. An algorithm developed to predict the effect of missense changes on protein structure and function (PolyPhen-2) suggests that this variant is likely to be disruptive. In summary, the available evidence is currently insufficient to determine the role of this variant in disease. Therefore, it has been classified as a Variant of Uncertain Significance.